The following is an entry in ClinVar:

NM_014915.3(ANKRD26):c.3704A>C (p.Gln1235Pro)

Gene: ANKRD26 (ankyrin repeat domain containing 26; minus strand). Cytogenetic location: 10p12.1.
Variant type: single nucleotide variant.
Coding change: c.3704A>C on transcript NM_014915.3 (MANE Select); coding-DNA position 3704, A replaced by C.
Protein change: p.Gln1235Pro; replaces glutamine 1235 with proline.
Molecular consequence: missense variant.
Genome position (GRCh38, 1-based): chr10:27,033,328, T>G on the plus strand (A>C on the coding strand, the complement: ANKRD26 is on the minus strand). VCF-style: chr10-27033328-T-G. GRCh37 (hg19) VCF-style: chr10-27322257-T-G.
Other names: c.3701A>C, p.Gln1234Pro (NM_001256053.2); short protein forms Q1235P, Q1234P.
Identifiers: ClinVar variation 3912889 (VCV003912889.1).

ClinVar aggregate classification (germline): Uncertain significance (1 of 4 stars; one submission).

Conditions:
Inborn genetic diseases. Identifiers: MedGen C0950123, MeSH D030342.

gnomAD v4.1: 1 of 1,612,238 alleles (0.000062%); highest among the groups gnomAD compares: Non-Finnish European, 0.000085%; no homozygotes.

Submission:

Ambry Genetics
Classification: Uncertain significance for Inborn genetic diseases. Last evaluated: 2025-03-15. Review status: criteria provided, single submitter. Criteria: Ambry Variant Classification Scheme 2023. Collection method: clinical testing. Allele origin: germline.
Comment: The p.Q1235P variant (also known as c.3704A>C), located in coding exon 25 of the ANKRD26 gene, results from an A to C substitution at nucleotide position 3704. The glutamine at codon 1235 is replaced by proline, an amino acid with similar properties. This amino acid position is conserved. In addition, the in silico prediction for this alteration is inconclusive. Based on the available evidence, the clinical significance of this variant remains unclear.